The following is an entry in ClinVar:

NM_000257.4(MYH7):c.130C>T (p.Gln44Ter)

Gene: MYH7 (myosin heavy chain 7; minus strand). Cytogenetic location: 14q11.2.
Variant type: single nucleotide variant.
Coding change: c.130C>T on transcript NM_000257.4 (MANE Select); coding-DNA position 130, C replaced by T.
Protein change: p.Gln44Ter; replaces glutamine 44 with a stop codon.
Molecular consequence: nonsense.
Genome position (GRCh38, 1-based): chr14:23,433,603, G>A on the plus strand (C>T on the coding strand, the complement: MYH7 is on the minus strand). VCF-style: chr14-23433603-G-A. GRCh37 (hg19) VCF-style: chr14-23902812-G-A.
Other names: p.Q44*:CAG>TAG; c.130C>T (LRG_384t1); short protein forms Q44*.
Identifiers: ClinVar variation 181296 (VCV000181296.3), dbSNP rs730880829, ClinGen allele CA010506.

ClinVar aggregate classification (germline): Uncertain significance (1 of 4 stars; one submission).

Submission:

GeneDx
Classification: Uncertain significance. Last evaluated: 2020-01-16. Review status: criteria provided, single submitter. Criteria: GeneDx Variant Classification Process June 2021. Collection method: clinical testing. Allele origin: germline. Affected: yes.
Comment: An affected brother was also compound heterozygous for both variants. The mother only harbored the missense variant and showed mild septal hypertrophy, while the father harbored R44X and had a reportedly normal cardiac workup (Kolokotronis et al., 2019).; Not observed in large population cohorts (Lek et al., 2016); Nonsense variant predicted to result in protein truncation or nonsense mediated decay in a gene for which loss-of-function is not a known mechanism of disease; This variant is associated with the following publications: (PMID: 30924982)